The following is an entry in ClinVar:

NM_024422.6(DSC2):c.1565A>C (p.Glu522Ala)

Gene: DSC2 (desmocollin 2; minus strand). Cytogenetic location: 18q12.1.
Variant type: single nucleotide variant.
Coding change: c.1565A>C on transcript NM_024422.6 (MANE Select); coding-DNA position 1565, A replaced by C.
Protein change: p.Glu522Ala; replaces glutamic acid 522 with alanine.
Molecular consequence: missense variant.
Genome position (GRCh38, 1-based): chr18:31,079,945, T>G on the plus strand (A>C on the coding strand, the complement: DSC2 is on the minus strand). VCF-style: chr18-31079945-T-G. GRCh37 (hg19) VCF-style: chr18-28659911-T-G.
Other names: c.1136A>C, p.Glu379Ala (NM_001406506.1, NM_001406507.1); c.1565A>C, p.Glu522Ala (NM_004949.5); c.1565A>C (NM_024422.4); short protein forms E379A, E522A.
Identifiers: ClinVar variation 1721182 (VCV001721182.6), dbSNP rs1275221604, ClinGen allele CA402108125.
Genomic context (GRCh38, chr18:31,079,945, plus strand): 5'-TTTTTGATGGTCTCTGCCTCTCTATCCAGGCTTCTGAAAACTTTGATTGATCCTGTATTT[T>G]CATCAATGGTGACCCACCCTGTTGGATCAGTTAATTTCTTATACCTGTTGGTAATGATGA-3'
Protein context (NP_077740.1, residues 512-532): TDPTGWVTID[Glu522Ala]NTGSIKVFRS

ClinVar aggregate classification (germline): Uncertain significance. Review status: criteria provided, multiple submitters, no conflicts (2 of 4 stars). 2 submissions from 2 submitters: Uncertain significance (2). Last evaluated 2025-02-25.

Conditions:
DSC2-related disorder. Also called: DSC2-related condition.
Arrhythmogenic right ventricular dysplasia 11. Also called: Arrhythmogenic right ventricular dysplasia 11 with mild palmoplantar keratoderma and woolly hair; ARRHYTHMOGENIC RIGHT VENTRICULAR DYSPLASIA, FAMILIAL, 11; Arrhythmogenic Right Ventricular Dysplasia/Cardiomyopathy11. Identifiers: MedGen C1864850, MONDO:0012506, OMIM 610476.

Allele frequency attached by ClinVar (database versions not stated): gnomAD 0.00001.
gnomAD v4.1: 1 of 1,613,952 alleles (0.000062%); highest among the groups gnomAD compares: African/African-American, 0.0013%; no homozygotes.

Submissions (2):

PreventionGenetics, part of Exact Sciences
Classification: Uncertain significance for DSC2-related condition. Last evaluated: 2025-02-25. Review status: criteria provided, single submitter. Criteria: ACMG Guidelines, 2015. Collection method: clinical testing. Allele origin: germline.
Comment: The DSC2 c.1565A>C variant is predicted to result in the amino acid substitution p.Glu522Ala. To our knowledge, this variant has not been reported in the literature. This variant is reported in 0.011% of alleles in individuals of African descent in gnomAD. At this time, the clinical significance of this variant is uncertain due to the absence of conclusive functional and genetic evidence.

Labcorp Genetics (formerly Invitae), Labcorp
Classification: Uncertain significance for Arrhythmogenic right ventricular dysplasia 11. Last evaluated: 2023-11-08. Review status: criteria provided, single submitter. Criteria: Invitae Variant Classification Sherloc (09022015). Collection method: clinical testing. Allele origin: germline.
Comment: This sequence change replaces glutamic acid, which is acidic and polar, with alanine, which is neutral and non-polar, at codon 522 of the DSC2 protein (p.Glu522Ala). This variant is present in population databases (no rsID available, gnomAD 0.01%). This variant has not been reported in the literature in individuals affected with DSC2-related conditions. ClinVar contains an entry for this variant (Variation ID: 1721182). Advanced modeling of protein sequence and biophysical properties (such as structural, functional, and spatial information, amino acid conservation, physicochemical variation, residue mobility, and thermodynamic stability) performed at Invitae indicates that this missense variant is not expected to disrupt DSC2 protein function with a negative predictive value of 80%. In summary, the available evidence is currently insufficient to determine the role of this variant in disease. Therefore, it has been classified as a Variant of Uncertain Significance.